The following is an entry in ClinVar:

NM_000260.4(MYO7A):c.3304C>T (p.Gln1102Ter)

Gene: MYO7A (myosin VIIA; plus strand). Cytogenetic location: 11q13.5.
Variant type: single nucleotide variant.
Coding change: c.3304C>T on transcript NM_000260.4 (MANE Select); coding-DNA position 3304, C replaced by T.
Protein change: p.Gln1102Ter; replaces glutamine 1102 with a stop codon.
Molecular consequence: nonsense.
Genome position (GRCh38, 1-based): chr11:77,183,086, C>T. VCF-style: chr11-77183086-C-T. GRCh37 (hg19) VCF-style: chr11-76894131-C-T.
Other names: c.3304C>T, p.Gln1102Ter (NM_001127180.2); c.3271C>T, p.Gln1091Ter (NM_001369365.1); short protein forms Q1091*, Q1102*.
Identifiers: ClinVar variation 1391612 (VCV001391612.6), dbSNP rs2135504652, ClinGen allele CA381945446.

ClinVar aggregate classification (germline): Pathogenic (1 of 4 stars; one submission).

gnomAD v4.1: 1 of 1,551,604 alleles (0.000064%); no homozygotes.

Submission:

Labcorp Genetics (formerly Invitae), Labcorp
Classification: Pathogenic. Last evaluated: 2021-11-08. Review status: criteria provided, single submitter. Criteria: Invitae Variant Classification Sherloc (09022015). Collection method: clinical testing. Allele origin: germline.
Comment: For these reasons, this variant has been classified as Pathogenic. This variant has not been reported in the literature in individuals affected with MYO7A-related conditions. This variant is not present in population databases (gnomAD no frequency). This sequence change creates a premature translational stop signal (p.Gln1102*) in the MYO7A gene. It is expected to result in an absent or disrupted protein product. Loss-of-function variants in MYO7A are known to be pathogenic (PMID: 8900236, 25404053).

Literature cited by the submitters: PubMed 8900236; PubMed 25404053.